The following is an entry in ClinVar:

ClinVar aggregate classification (germline): Conflicting classifications of pathogenicity. Review status: criteria provided, conflicting classifications (1 of 4 stars). 7 submissions from 4 submitters: Uncertain significance (1); Benign (4); Likely benign (1). 1 of the submissions does not count toward it. Last evaluated 2026-08-01.

Conditions:
Neuropathy, congenital hypomyelinating, 2. Identifiers: MedGen C4722277, MONDO:0020765, OMIM 618184.
Charcot-Marie-Tooth disease type 1B. Also called: CHARCOT-MARIE-TOOTH DISEASE, AUTOSOMAL DOMINANT, WITH FOCALLY FOLDED MYELIN SHEATHS, TYPE 1B; CHARCOT-MARIE-TOOTH DISEASE, SLOW NERVE CONDUCTION TYPE, LINKED TO DUFFY; CHARCOT-MARIE-TOOTH NEUROPATHY, TYPE 1B; PERONEAL MUSCULAR ATROPHY; HEREDITARY MOTOR AND SENSORY NEUROPATHY I; HEREDITARY MOTOR AND SENSORY NEUROPATHY IB. Identifiers: Orphanet 101082, MedGen C0270912, MONDO:0007307, OMIM 118200.
Charcot-Marie-Tooth disease dominant intermediate D. Also called: CHARCOT-MARIE-TOOTH NEUROPATHY, DOMINANT INTERMEDIATE D; Charcot-Marie-Tooth disease dominant intermediate 3; CMT DI3. Identifiers: Orphanet 100046, MedGen C1843075, MONDO:0011909, OMIM 607791.
MPZ-related disorder. Also called: MPZ-related condition; MPZ-related disorders.
Roussy-Lévy syndrome. Also called: Roussy-Levy Syndrome; Roussy Levy hereditary areflexic dystasia; Roussy-Levy disease; Hereditary areflexic dystasia. Identifiers: Orphanet 3115, MedGen C0205713, MONDO:0008392, OMIM 180800.

Allele frequency attached by ClinVar (database versions not stated): 1000 Genomes Project 0.00319; 1000 Genomes Project 30x 0.00359; TOPMed 0.00777; gnomAD 0.00828; gnomAD exomes 0.00972.

Submissions (7):

CeGaT Center for Human Genetics Tuebingen
Classification: Benign. Last evaluated: 2026-08-01. Review status: criteria provided, single submitter. Criteria: CeGaT Center For Human Genetics Tuebingen Variant Classification Criteria Version 2. Collection method: clinical testing. Allele origin: germline. Affected: yes. Observed: 42 variant alleles.
Comment: MPZ: BS1, BS2

Blueprint Genetics
Classification: Likely benign. Last evaluated: 2024-11-25. Review status: criteria provided, single submitter. Criteria: ACMG Guidelines, 2015. Collection method: clinical testing. Allele origin: germline.

Illumina Laboratory Services, Illumina
Classification: Benign for Roussy-Lévy syndrome. Last evaluated: 2018-01-12. Review status: criteria provided, single submitter. Criteria: ICSL Variant Classification Criteria 13 December 2019. Collection method: clinical testing. Allele origin: germline.
Comment: This variant was observed in the ICSL laboratory as part of a predisposition screen in an ostensibly healthy population. It had not been previously curated by ICSL or reported in the Human Gene Mutation Database (HGMD: prior to June 1st, 2018), and was therefore a candidate for classification through an automated scoring system. Utilizing variant allele frequency, disease prevalence and penetrance estimates, and inheritance mode, an automated score was calculated to assess if this variant is too frequent to cause the disease. Based on the score and internal cut-off values, a variant classified as benign is not then subjected to further curation. The score for this variant resulted in a classification of benign for this disease.

Illumina Laboratory Services, Illumina
Classification: Benign for Charcot-Marie-Tooth disease dominant intermediate D. Last evaluated: 2018-01-12. Review status: criteria provided, single submitter. Criteria: ICSL Variant Classification Criteria 13 December 2019. Collection method: clinical testing. Allele origin: germline.
Comment: the same text as in the submission from Illumina Laboratory Services, Illumina above.

Illumina Laboratory Services, Illumina
Classification: Uncertain significance for Neuropathy, congenital hypomyelinating, 2. Last evaluated: 2018-01-12. Review status: criteria provided, single submitter. Criteria: ICSL Variant Classification Criteria 13 December 2019. Collection method: clinical testing. Allele origin: germline.

Illumina Laboratory Services, Illumina
Classification: Benign for Charcot-Marie-Tooth disease type 1B. Last evaluated: 2018-01-12. Review status: criteria provided, single submitter. Criteria: ICSL Variant Classification Criteria 13 December 2019. Collection method: clinical testing. Allele origin: germline.
Comment: the same text as in the submission from Illumina Laboratory Services, Illumina above.

PreventionGenetics, part of Exact Sciences
Classification: Benign for MPZ-related condition. Last evaluated: 2019-05-02. Review status: no assertion criteria provided. Collection method: clinical testing. Allele origin: germline. Not counted in ClinVar's aggregate classification.
Comment: This variant is classified as benign based on ACMG/AMP sequence variant interpretation guidelines (Richards et al. 2015 PMID: 25741868, with internal and published modifications).

NM_000530.8(MPZ):c.*195G>T

Gene: MPZ (myelin protein zero; minus strand). Cytogenetic location: 1q23.3.
Variant type: single nucleotide variant.
Coding change: c.*195G>T on transcript NM_000530.8 (MANE Select); 195 bases downstream of the stop codon, G replaced by T.
Molecular consequence: 3 prime UTR variant.
Genome position (GRCh38, 1-based): chr1:161,305,681, C>A on the plus strand (G>T on the coding strand, the complement: MPZ is on the minus strand). VCF-style: chr1-161305681-C-A. GRCh37 (hg19) VCF-style: chr1-161275471-C-A.
Other names: c.*195G>T (LRG_256t1, NM_000530.7); c.*3G>T (NM_001315491.2).
Identifiers: ClinVar variation 293310 (VCV000293310.36), dbSNP rs150182811, ClinGen allele CA10608533.
Genomic context (GRCh38, chr1:161,305,681, plus strand): 5'-GACGGGGGTAAGAGGAGCCTAGGTCCCCCTGCTCTGGCAGGGCCTGGGGTGGGGGGGTGG[C>A]GATCACTTGTCCGAGTTCAGGCCCATCATGTTCTTGAGGGCGTTTTTGAGGCTGGTTCTG-3'